The following is an entry in ClinVar:

ClinVar aggregate classification (germline): Uncertain significance (1 of 4 stars; one submission).

Allele frequency attached by ClinVar (database versions not stated): gnomAD exomes below 0.00001 and 0.00001; ExAC 0.00001.
gnomAD v4.1: 4 of 1,614,140 alleles (0.00025%); highest among the groups gnomAD compares: Non-Finnish European, 0.00025%; no homozygotes.

Submission:

GeneDx
Classification: Uncertain significance. Last evaluated: 2016-08-01. Review status: criteria provided, single submitter. Criteria: GeneDx Variant Classification (06012015). Collection method: clinical testing. Allele origin: germline. Affected: yes.
Comment: The A206V variant in the CCM2 gene has not been reported previously as a pathogenic variant, nor as a benign variant, to our knowledge. This variant was not observed in approximately 6500 individuals of European and African American ancestry in the NHLBI Exome Sequencing Project, indicating it is not a common benign variant in these populations. The A206V variant is a conservative amino acid substitution, which is not likely to impact secondary protein structure as these residues share similar properties. This substitution occurs at a position that is conserved across species, and in silico analysis predicts this variant is probably damaging to the protein structure/function. We interpret A206V as a variant of uncertain significance.

NM_031443.4(CCM2):c.617C>T (p.Ala206Val)

Gene: CCM2 (CCM2 scaffold protein; plus strand). Cytogenetic location: 7p13.
Variant type: single nucleotide variant.
Coding change: c.617C>T on transcript NM_031443.4 (MANE Select); coding-DNA position 617, C replaced by T.
Protein change: p.Ala206Val; replaces alanine 206 with valine.
Molecular consequence: missense variant. On other transcripts: non-coding transcript variant (1), intron variant (1).
Genome position (GRCh38, 1-based): chr7:45,069,833, C>T. VCF-style: chr7-45069833-C-T. GRCh37 (hg19) VCF-style: chr7-45109432-C-T.
Other names: c.680C>T, p.Ala227Val (NM_001029835.2); c.443C>T, p.Ala148Val (NM_001167934.2, NM_001363459.2); c.617C>T, p.Ala206Val (NM_001363458.2); c.473-2893C>T (NM_001167935.2); short protein forms A206V, A227V, A148V.
Identifiers: ClinVar variation 421876 (VCV000421876.2), dbSNP rs777710102, ClinGen allele CA4247050.